The following is an entry in ClinVar:

ClinVar aggregate classification (germline): Uncertain significance. Review status: criteria provided, multiple submitters, no conflicts (2 of 4 stars). 2 submissions from 2 submitters: Uncertain significance (2). Last evaluated 2023-03-25.

Conditions:
Glaucoma 1, open angle, E. Identifiers: MedGen C1842026, MONDO:0007665.
Primary open angle glaucoma (POAG). Also called: OPTN-related open angle glaucoma. Identifiers: MedGen C0339573, MONDO:0100553, OMIM 137760.
Amyotrophic lateral sclerosis type 12 (ALS12). Also called: AMYOTROPHIC LATERAL SCLEROSIS 12 WITH OR WITHOUT FRONTOTEMPORAL DEMENTIA. Identifiers: Orphanet 803, MedGen C3150692, MONDO:0013264, OMIM 613435.
Inborn genetic diseases. Identifiers: MedGen C0950123, MeSH D030342.

Allele frequency attached by ClinVar (database versions not stated): ExAC 0.00001; gnomAD exomes 0.00001; TOPMed 0.00002.
gnomAD v4.1: 6 of 1,613,960 alleles (0.00037%); highest among the groups gnomAD compares: South Asian, 0.0022%; no homozygotes.

Submissions (2):

Labcorp Genetics (formerly Invitae), Labcorp
Classification: Uncertain significance for Primary open angle glaucoma; Glaucoma 1, open angle, E; Amyotrophic lateral sclerosis type 12. Last evaluated: 2023-03-25. Review status: criteria provided, single submitter. Criteria: Invitae Variant Classification Sherloc (09022015). Collection method: clinical testing. Allele origin: germline.
Comment: In summary, the available evidence is currently insufficient to determine the role of this variant in disease. Therefore, it has been classified as a Variant of Uncertain Significance. Advanced modeling of protein sequence and biophysical properties (such as structural, functional, and spatial information, amino acid conservation, physicochemical variation, residue mobility, and thermodynamic stability) performed at Invitae indicates that this missense variant is not expected to disrupt OPTN protein function. ClinVar contains an entry for this variant (Variation ID: 2136845). This missense change has been observed in individual(s) with amyotrophic lateral sclerosis (PMID: 26503823). This variant is present in population databases (rs772864480, gnomAD 0.003%). This sequence change replaces isoleucine, which is neutral and non-polar, with threonine, which is neutral and polar, at codon 451 of the OPTN protein (p.Ile451Thr).

Ambry Genetics
Classification: Uncertain significance for Inborn genetic diseases. Last evaluated: 2023-01-10. Review status: criteria provided, single submitter. Criteria: Ambry Variant Classification Scheme 2023. Collection method: clinical testing. Allele origin: germline.
Comment: The c.1352T>C (p.I451T) alteration is located in exon 11 (coding exon 10) of the OPTN gene. This alteration results from a T to C substitution at nucleotide position 1352, causing the isoleucine (I) at amino acid position 451 to be replaced by a threonine (T). Based on data from gnomAD, the C allele has an overall frequency of 0.001% (2/251476) total alleles studied. The highest observed frequency was 0.0326% (2/6138) of Other alleles. This variant has been previously reported in a patient with sporadic ALS (Li, 2015). This amino acid position is well conserved in available vertebrate species. This alteration is predicted to be tolerated by in silico analysis. Based on insufficient or conflicting evidence, the clinical significance of this alteration remains unclear.

Literature cited by the submitters: PubMed 26503823 (cited by Labcorp Genetics (formerly Invitae), Labcorp and Ambry Genetics).

NM_001008212.2(OPTN):c.1352T>C (p.Ile451Thr)

Gene: OPTN (optineurin; plus strand). Cytogenetic location: 10p13.
Variant type: single nucleotide variant.
Coding change: c.1352T>C on transcript NM_001008212.2 (MANE Select); coding-DNA position 1352, T replaced by C.
Protein change: p.Ile451Thr; replaces isoleucine 451 with threonine.
Molecular consequence: missense variant.
Genome position (GRCh38, 1-based): chr10:13,127,854, T>C. VCF-style: chr10-13127854-T-C. GRCh37 (hg19) VCF-style: chr10-13169854-T-C.
Other names: c.1352T>C, p.Ile451Thr (NM_001008211.1, NM_001008213.1, NM_021980.4); short protein forms I451T.
Identifiers: ClinVar variation 2136845 (VCV002136845.6), dbSNP rs772864480, ClinGen allele CA5410939.